The following is an entry in ClinVar:

NM_001034853.2(RPGR):c.1926del (p.Lys642fs)

Gene: RPGR (retinitis pigmentosa GTPase regulator; minus strand). Cytogenetic location: Xp11.4.
Variant type: Deletion.
Coding change: c.1926del on transcript NM_001034853.2 (MANE Select); coding-DNA position 1926, one base deleted (A; older notation c.1926delA).
Protein change: p.Lys642fs; shifts the reading frame from lysine 642.
Molecular consequence: frameshift variant. On other transcripts: intron variant (8).
Genome position (GRCh38, 1-based): chrX:38,287,073, T deleted on the plus strand (A on the coding strand, the reverse complement: RPGR is on the minus strand); the first of 4 consecutive T bases (chrX:38,287,073-38,287,076); deleting any one gives the same sequence. VCF-style (leftmost placement, unchanged base first): chrX-38287072-AT-A. GRCh37 (hg19) VCF-style: chrX-38146325-AT-A.
Other names: c.1569+3886del (NM_001367249.1, NM_001367250.1); c.1902+21del (NM_001367245.1); c.1386+3886del (NM_001367251.1); c.1719+21del (NM_001367246.1); c.1572+3886del (NM_001367247.1); c.1905+21del (NM_000328.3); c.1602+3886del (NM_001367248.1); short protein forms K642fs.
Identifiers: ClinVar variation 4799281 (VCV004799281.2).

ClinVar aggregate classification (germline): Pathogenic. Review status: criteria provided, multiple submitters, no conflicts (2 of 4 stars). 2 submissions from 2 submitters: Pathogenic (2). Last evaluated 2025-10-20.

Conditions:
Primary ciliary dyskinesia. Also called: Ciliary dyskinesia. Identifiers: Orphanet 244, MedGen C0008780, MONDO:0016575, HP:0012265.
RPGR-related disorder. Also called: RPGR-related condition.

Submissions (2):

Labcorp Genetics (formerly Invitae), Labcorp
Classification: Pathogenic for Primary ciliary dyskinesia. Last evaluated: 2025-10-20. Review status: criteria provided, single submitter. Criteria: Invitae Variant Classification Sherloc (09022015). Collection method: clinical testing. Allele origin: germline.
Comment: This sequence change creates a premature translational stop signal (p.Lys642Asnfs*55) in the RPGR (ORF15) gene. While this is not anticipated to result in nonsense mediated decay, it is expected to disrupt the last 511 amino acid(s) of the RPGR (ORF15) protein. This variant is not present in population databases (gnomAD no frequency). This variant has not been reported in the literature in individuals affected with RPGR (ORF15)-related conditions. This variant disrupts a region of the RPGR (ORF15) protein in which other variant(s) (p.Glu698Argfs*72) have been determined to be pathogenic (PMID: 22264887; Internal data). This suggests that this is a clinically significant region of the protein, and that variants that disrupt it are likely to be disease-causing. For these reasons, this variant has been classified as Pathogenic.

Blueprint Genetics
Classification: Pathogenic for RPGR-related disorders. Last evaluated: 2022-09-16. Review status: criteria provided, single submitter. Criteria: ACMG Guidelines, 2015. Collection method: clinical testing. Allele origin: germline. Affected: yes. Observed: 3 variant alleles.

Literature cited by the submitters: PubMed 22264887 (cited by Labcorp Genetics (formerly Invitae), Labcorp).